The following is an entry in ClinVar:

ClinVar aggregate classification (germline): Pathogenic/Likely pathogenic. Review status: criteria provided, multiple submitters, no conflicts (2 of 4 stars). 12 submissions from 12 submitters: Pathogenic (6); Likely pathogenic (4). 2 of the submissions do not count toward it. Last evaluated 2026-03-01.

Conditions:
ATP7B-related disorder. Also called: ATP7B-related condition.
Wilson disease (WND). Also called: Wilson's disease. Identifiers: Orphanet 905, MedGen C0019202, MONDO:0010200, OMIM 277900. Disease mechanism: loss of function.

Allele frequency attached by ClinVar (database versions not stated): gnomAD exomes below 0.00001; ExAC 0.00001; gnomAD 0.00001; TOPMed 0.00001.
gnomAD v4.1: 5 of 1,612,676 alleles (0.00031%); highest among the groups gnomAD compares: Non-Finnish European, 0.00042%; no homozygotes.

Submissions (12):

CeGaT Center for Human Genetics Tuebingen
Classification: Pathogenic. Last evaluated: 2026-03-01. Review status: criteria provided, single submitter. Criteria: CeGaT Center For Human Genetics Tuebingen Variant Classification Criteria Version 2. Collection method: clinical testing. Allele origin: germline. Affected: yes. Observed: 3 variant alleles.
Comment: ATP7B: PM3:Strong, PVS1:Strong, PM2, PP4

Color Diagnostics, LLC DBA Color Health
Classification: Pathogenic for Wilson disease. Last evaluated: 2025-08-26. Review status: criteria provided, single submitter. Criteria: ACMG Guidelines, 2015. Collection method: clinical testing. Allele origin: germline.
Comment: This variant causes a T to C nucleotide substitution at the +6 position of intron 6 of the ATP7B gene. This variant has been observed in individuals affected with autosomal recessive Wilson disease (PMID: 22019423, 22677543, 34400371). One of these individuals has been reported to be homozygous for this variant (PMID: 22019423). An RNA study using cells derived from the homozygous individual has shown that the mutant allele does not lead to the production of full-length transcript but produces an aberrant transcript lacking exons 6, 7, and 8 (PMID: 22019423). This aberrant transcript has also been seen in heterozygous and wild-type samples (PMID: 7726170, 7833924, 9307043, 22019423) and is expected to result in an in-frame deletion of amino acid residues a.a. 624-785, which encode transmembrane domains of the ATP7B protein. A 3837 base-pair deletion that spans exons 6 through 8 was reported in an individual affected with Wilson disease who carried a second pathogenic variant in trans, c.3800A>C (p.Asp1267Ala) (PMID: 21707886). Many pathogenic missense substitution variants have been reported in the impacted region of the gene (ClinVar), indicating that the c.1946+6T>C variant disrupts a functionally important part of the ATP7B gene. This variant, c.1946+6T>C, has been identified in 1/249578 chromosomes in the general population by the Genome Aggregation Database (gnomAD). Loss of ATP7B function is a known mechanism of disease. Based on the available evidence, this variant is classified as Pathogenic.

Labcorp Genetics (formerly Invitae), Labcorp
Classification: Pathogenic for Wilson disease. Last evaluated: 2025-02-27. Review status: criteria provided, single submitter. Criteria: Invitae Variant Classification Sherloc (09022015). Collection method: clinical testing. Allele origin: germline.
Comment: This sequence change falls in intron 6 of the ATP7B gene. It does not directly change the encoded amino acid sequence of the ATP7B protein. RNA analysis indicates that this variant induces altered splicing and likely results in a shortened protein product. This variant is not present in population databases (gnomAD no frequency). This variant has been observed in individual(s) with Wilson disease (PMID: 22019423). ClinVar contains an entry for this variant (Variation ID: 495403). Variants that disrupt the consensus splice site are a relatively common cause of aberrant splicing (PMID: 17576681, 9536098). Studies have shown that this variant results in skipping of exons 6-8, but is expected to preserve the integrity of the reading-frame (PMID: 22019423). For these reasons, this variant has been classified as Pathogenic.

Blueprint Genetics
Classification: Likely pathogenic for ATP7B-related disorders. Last evaluated: 2024-10-23. Review status: criteria provided, single submitter. Criteria: ACMG Guidelines, 2015. Collection method: clinical testing. Allele origin: germline. Affected: yes. Observed: 1 variant allele.

Lildballe Lab, Aarhus University Hospital
Classification: Likely pathogenic for Wilson disease. Last evaluated: 2024-08-29. Review status: criteria provided, single submitter. Criteria: ACMG Guidelines, 2015. Collection method: clinical testing. Allele origin: germline. Affected: yes.
Comment: PP3, PM2, PP5

Mayo Clinic Laboratories, Mayo Clinic
Classification: Pathogenic. Last evaluated: 2024-06-18. Review status: criteria provided, single submitter. Criteria: ACMG Guidelines, 2015. Collection method: clinical testing. Allele origin: germline.
Comment: PP4, PM2, PM3, PS3, PS4_moderate

Fulgent Genetics
Classification: Likely pathogenic for Wilson disease. Last evaluated: 2024-05-09. Review status: criteria provided, single submitter. Criteria: ACMG Guidelines, 2015. Collection method: clinical testing. Allele origin: germline.

All of Us Research Program, National Institutes of Health
Classification: Pathogenic for Wilson disease. Last evaluated: 2023-11-20. Review status: criteria provided, single submitter. Criteria: ACMG Guidelines, 2015. Collection method: clinical testing. Allele origin: germline. Inheritance: Autosomal recessive inheritance. Observed: 4 variant alleles, 4 heterozygotes.
Comment: This variant causes a T to C nucleotide substitution at the +6 position of intron 6 of the ATP7B gene. This variant has been observed in individuals affected with autosomal recessive Wilson disease (PMID: 22019423, 22677543, 34400371). One of these individuals has been reported to be homozygous for this variant (PMID: 22019423). An RNA study using cells derived from the homozygous individual has shown that the mutant allele does not lead to the production of full-length transcript but produces an aberrant transcript lacking exons 6, 7, and 8 (PMID: 22019423). This aberrant transcript has also been seen in heterozygous and wild-type samples (PMID: 7726170, 7833924, 9307043, 22019423) and is expected to result in an in-frame deletion of amino acid residues a.a. 624-785, which encode transmembrane domains of the ATP7B protein. A 3837 base-pair deletion that spans exon 6 through 8 was reported in an individual affected with Wilson disease who carried a second pathogenic variant in trans, c.3800A>C (p.Asp1267Ala) (PMID: 21707886). Many pathogenic missense substitution variants have been reported in the impacted region of the gene (ClinVar), indicating that the c.1946+6T>C variant disrupts a functionally important part of the ATP7B gene. This variant, c.1946+6T>C, has been identified in 1/249578 chromosomes in the general population by the Genome Aggregation Database (gnomAD). Loss of ATP7B function is a known mechanism of disease. Based on the available evidence, this variant is classified as Pathogenic.

This study involves interpretation of variants in research participants for the purpose of population health screening. Participant phenotype was not available at the time of variant classification. Additional details can be found in publication PMID: 35346344, PMCID: PMC8962531

Baylor Genetics
Classification: Pathogenic for Wilson disease. Last evaluated: 2023-02-13. Review status: criteria provided, single submitter. Criteria: ACMG Guidelines, 2015. Collection method: clinical testing. Allele origin: unknown.

Women's Health and Genetics/Laboratory Corporation of America, LabCorp
Classification: Likely pathogenic for Wilson disease. Last evaluated: 2016-11-28. Review status: criteria provided, single submitter. Criteria: LabCorp Variant Classification Summary - May 2015. Collection method: clinical testing. Allele origin: germline.
Comment: Variant summary: The ATP7B c.1946+6T>C variant involves the alteration of a conserved intronic nucleotide. 3/5 splice prediction tools via Alamut suggest potential impact on a normal splicing pattern, which was confirmed by the RNA studies performed on RNA extracted from peripheral lymphoblasts and liver cells from a homozygous pt. Based on the results, c.1946+6T>C leads to an alternative transcript that is lacking exons 6,7,8 (Zappu_MCP_2012). The variant is present in the large control population dataset of ExAC at a very low frequency 0.0000084 (1/120708 chrs tested), which does not exceed the estimated maximal expected allele frequency of a pathogenic variant in ATP7B gene (0.0054). The variant of interest has been reported in affected individuals with clinically and biochemically confirmed dx of WD via published reports. Taken together, this variant is classified as Likely Pathogenic.

Natera, Inc.
Classification: Likely pathogenic for Wilson disease. Last evaluated: 2021-07-14. Review status: no assertion criteria provided. Collection method: clinical testing. Allele origin: germline. Not counted in ClinVar's aggregate classification.

Counsyl
Classification: Uncertain significance for Wilson disease. Last evaluated: 2018-04-05. Review status: no assertion criteria provided. Collection method: clinical testing. Allele origin: unknown. Not counted in ClinVar's aggregate classification.

Literature cited by the submitters: PubMed 7726170 (cited by Color Diagnostics, LLC DBA Color Health and All of Us Research Program, National Institutes of Health); PubMed 7833924 (cited by Color Diagnostics, LLC DBA Color Health and All of Us Research Program, National Institutes of Health); PubMed 9307043 (cited by Color Diagnostics, LLC DBA Color Health and All of Us Research Program, National Institutes of Health); PubMed 21707886 (cited by 3 submitters); PubMed 22019423 (cited by 6 submitters); PubMed 22677543 (cited by 5 submitters); PubMed 34400371 (cited by 3 submitters); PubMed 17576681 (cited by Labcorp Genetics (formerly Invitae), Labcorp); PubMed 9536098 (cited by Labcorp Genetics (formerly Invitae), Labcorp).

NM_000053.4(ATP7B):c.1946+6T>C

Gene: ATP7B (ATPase copper transporting beta; minus strand). Cytogenetic location: 13q14.3.
Variant type: single nucleotide variant.
Coding change: c.1946+6T>C on transcript NM_000053.4 (MANE Select); 6 bases into the intron after coding-DNA position 1946, T replaced by C.
Molecular consequence: intron variant.
Genome position (GRCh38, 1-based): chr13:51,961,831, A>G on the plus strand (T>C on the coding strand, the complement: ATP7B is on the minus strand). VCF-style: chr13-51961831-A-G. GRCh37 (hg19) VCF-style: chr13-52535967-A-G.
Other names: p.?; c.1613+6T>C (NM_001243182.2); c.1869+3041T>C (NM_001005918.3, NM_001330579.2); c.1946+6T>C (NM_001330578.2).
Identifiers: ClinVar variation 495403 (VCV000495403.25), dbSNP rs751287778, ClinGen allele CA6989167.